The following is an entry in ClinVar:

NM_022124.6(CDH23):c.800G>A (p.Arg267His)

Gene: CDH23 (cadherin related 23; plus strand). Cytogenetic location: 10q22.1.
Variant type: single nucleotide variant.
Coding change: c.800G>A on transcript NM_022124.6 (MANE Select); coding-DNA position 800, G replaced by A.
Protein change: p.Arg267His; replaces arginine 267 with histidine.
Molecular consequence: missense variant.
Genome position (GRCh38, 1-based): chr10:71,577,960, G>A. VCF-style: chr10-71577960-G-A. GRCh37 (hg19) VCF-style: chr10-73337717-G-A.
Other names: c.800G>A, p.Arg267His (NM_001171930.2, NM_001171931.2, NM_001171932.2 and 1 more transcripts); short protein forms R267H.
Identifiers: ClinVar variation 2185501 (VCV002185501.2), dbSNP rs761173311, ClinGen allele CA5543556.
Genomic context (GRCh38, chr10:71,577,960, plus strand): 5'-TCTCTTCTGCCCAGGGCACGACGGTGCGCATCATCACCGCCATAGACCAGGATAAAGGAC[G>A]TCCCCGGGGCATTGGCTACACCATCGTTTCAGGTAAGACAGAAGGCTGCCCCTCTCTCCT-3'
Protein context (NP_071407.4, residues 257-277): IITAIDQDKG[Arg267His]PRGIGYTIVS

ClinVar aggregate classification (germline): Uncertain significance. Review status: criteria provided, multiple submitters, no conflicts (2 of 4 stars). 2 submissions from 2 submitters: Uncertain significance (2). Last evaluated 2024-02-15.

Allele frequency attached by ClinVar (database versions not stated): gnomAD exomes 0.00001; ExAC 0.00002.
gnomAD v4.1: 14 of 1,604,854 alleles (0.00087%); highest among the groups gnomAD compares: Middle Eastern, 0.016%; no homozygotes.

Submissions (2):

Blueprint Genetics
Classification: Uncertain significance. Last evaluated: 2024-02-15. Review status: criteria provided, single submitter. Criteria: ACMG Guidelines, 2015. Collection method: clinical testing. Allele origin: germline.

Labcorp Genetics (formerly Invitae), Labcorp
Classification: Uncertain significance. Last evaluated: 2021-12-23. Review status: criteria provided, single submitter. Criteria: Invitae Variant Classification Sherloc (09022015). Collection method: clinical testing. Allele origin: germline.
Comment: This sequence change replaces arginine, which is basic and polar, with histidine, which is basic and polar, at codon 267 of the CDH23 protein (p.Arg267His). The frequency data for this variant in the population databases is considered unreliable, as metrics indicate poor data quality at this position in the gnomAD database. This variant has not been reported in the literature in individuals affected with CDH23-related conditions. Algorithms developed to predict the effect of missense changes on protein structure and function are either unavailable or do not agree on the potential impact of this missense change (SIFT: "Deleterious"; PolyPhen-2: "Not Available"; Align-GVGD: "Class C0"). In summary, the available evidence is currently insufficient to determine the role of this variant in disease. Therefore, it has been classified as a Variant of Uncertain Significance.